The following is an entry in ClinVar:

ClinVar aggregate classification (germline): Uncertain significance. Review status: criteria provided, single submitter (1 of 4 stars). 2 submissions from 2 submitters: Uncertain significance (1). 1 of the submissions does not count toward it. Last evaluated 2025-11-26.

Allele frequency attached by ClinVar (database versions not stated): gnomAD exomes 0.00046 and 0.00015; gnomAD 0.00018 and 0.00019; TOPMed 0.00020; ExAC 0.00062.
gnomAD v4.1: 245 of 1,534,072 alleles (0.016%); highest among the groups gnomAD compares: Admixed American, 0.045%; no homozygotes.

Submissions (2):

Ambry Genetics
Classification: Uncertain significance. Last evaluated: 2025-11-26. Review status: criteria provided, single submitter. Criteria: Ambry Variant Classification Scheme 2023. Collection method: clinical testing. Allele origin: germline.

Department of Pathology and Laboratory Medicine, Sinai Health System
Classification: Uncertain significance. Review status: no assertion criteria provided. Collection method: clinical testing. Allele origin: unknown. Affected: yes. Study: The Canadian Open Genetics Repository (COGR). Not counted in ClinVar's aggregate classification.
Comment: The MUC5B p.Ala285Val variant was not identified in the literature nor was it identified in the ClinVar, Cosmic, MutDB or LOVD 3.0 databases. The variant was identified in dbSNP (ID: rs759983497) and in control databases in 64 of 167462 chromosomes at a frequency of 0.000382 (Genome Aggregation Database Feb 27, 2017). The variant was observed in the following populations: Ashkenazi Jewish in 44 of 8516 chromosomes (freq: 0.005167), Latino in 12 of 25284 chromosomes (freq: 0.000475), Other in 1 of 5164 chromosomes (freq: 0.000194), European (non-Finnish) in 6 of 68278 chromosomes (freq: 0.000088) and South Asian in 1 of 22554 chromosomes (freq: 0.000044); it was not observed in the African, East Asian, and European (Finnish) populations. The p.Ala285 residue is not conserved in mammals and computational analyses (PolyPhen-2, SIFT, AlignGVGD, BLOSUM, MutationTaster) do not suggest a high likelihood of impact to the protein; however, this information is not predictive enough to rule out pathogenicity. In summary, based on the above information the clinical significance of this variant cannot be determined with certainty at this time. This variant is classified as a variant of uncertain significance.

NM_002458.3(MUC5B):c.854C>T (p.Ala285Val)

Gene: MUC5B (mucin 5B, oligomeric mucus/gel-forming; plus strand). Cytogenetic location: 11p15.5.
Variant type: single nucleotide variant.
Coding change: c.854C>T on transcript NM_002458.3 (MANE Select); coding-DNA position 854, C replaced by T.
Protein change: p.Ala285Val; replaces alanine 285 with valine.
Molecular consequence: missense variant.
Genome position (GRCh38, 1-based): chr11:1,228,643, C>T. VCF-style: chr11-1228643-C-T. GRCh37 (hg19) VCF-style: chr11-1249873-C-T.
Other names: c.854C>T (NM_002458.2); short protein forms A285V.
Identifiers: ClinVar variation 1049165 (VCV001049165.2), dbSNP rs759983497, ClinGen allele CA5804109.
Genomic context (GRCh38, chr11:1,228,643, plus strand): 5'-CCCTGCTGGGGCCGGCCTTTGCGGAGTGCCACGCACTGGTGGACAGCACTGCGTACCTGG[C>T]CGCCTGCGCCCAGGACCTGTGCCGCTGCCCCACCTGCCCGTGTGCCACCTTTGTGGAATA-3'
Protein context (NP_002449.2, residues 275-295): HALVDSTAYL[Ala285Val]ACAQDLCRCP